The following is an entry in ClinVar:

NM_001042492.3(NF1):c.999_1000del (p.Ile334fs)

Gene: NF1 (neurofibromin 1; plus strand). Cytogenetic location: 17q11.2.
Variant type: Deletion.
Coding change: c.999_1000del on transcript NM_001042492.3 (MANE Select); coding-DNA positions 999 to 1000, 2 bases deleted (CA; older notation c.999_1000delCA).
Protein change: p.Ile334fs; shifts the reading frame from isoleucine 334.
Molecular consequence: frameshift variant.
Genome position (GRCh38, 1-based): chr17:31,200,532-31,200,533, CA deleted; deleting any 2 consecutive bases within chr17:31,200,531-31,200,533 gives the same sequence; the c. name uses the placement nearest the transcript's 3' end. VCF-style (leftmost placement, unchanged base first): chr17-31200530-TAC-T. GRCh37 (hg19) VCF-style: chr17-29527548-TAC-T.
Other names: c.999_1000del, p.Ile334fs (NM_001128147.3, NM_000267.4); short protein forms I334fs.
Identifiers: ClinVar variation 5019982 (VCV005019982.2).

ClinVar aggregate classification (germline): Pathogenic (1 of 4 stars; one submission).

Conditions:
Neurofibromatosis, familial spinal (FSNF). Identifiers: Orphanet 636, MedGen C1834235, MONDO:0008078, OMIM 162210. Disease mechanism: loss of function.
Neurofibromatosis, type 1 (NF1). Also called: NEUROFIBROMATOSIS, TYPE I, SOMATIC; Peripheral type neurofibromatosis; Neurofibromatosis, type I; VON RECKLINGHAUSEN DISEASE. Identifiers: Orphanet 636, MedGen C0027831, MONDO:0018975, OMIM 162200. Disease mechanism: loss of function.
Neurofibromatosis-Noonan syndrome (NFNS). Also called: NEUROFIBROMATOSIS WITH NOONAN PHENOTYPE. Identifiers: Orphanet 638, MedGen C2931482, MONDO:0011035, OMIM 601321. Disease mechanism: loss of function.
Café-au-lait macules with pulmonary stenosis (WTSN). Also called: PULMONIC STENOSIS WITH CAFE-AU-LAIT SPOTS. Identifiers: MedGen C0553586, MONDO:0008672, OMIM 193520.
Juvenile myelomonocytic leukemia (JMML). Also called: LEUKEMIA, JUVENILE MYELOMONOCYTIC, SOMATIC. Identifiers: Orphanet 86834, MedGen C0349639, MONDO:0011908, OMIM 607785, HP:0012209.

Submission:

Juno Genomics, Hangzhou Juno Genomics, Inc
Classification: Pathogenic for Café-au-lait macules with pulmonary stenosis; Neurofibromatosis, type 1; Juvenile myelomonocytic leukemia; Neurofibromatosis, familial spinal; Neurofibromatosis-Noonan syndrome. Review status: criteria provided, single submitter. Criteria: ACMG Guidelines, 2015. Collection method: clinical testing. Allele origin: germline.
Comment: Absent from controls (or at extremely low frequency if recessive) in Genome Aggregation Database.;Null variant in a gene where loss of function (LOF) is a known mechanism of disease.;The prevalence of the variant in affected individuals is significantly increased compared to the prevalence in controls.